The following is an entry in ClinVar:

NM_000059.4(BRCA2):c.8472_8473del (p.Arg2824fs)

Gene: BRCA2 (BRCA2 DNA repair associated; plus strand). Cytogenetic location: 13q13.1.
Variant type: Microsatellite.
Coding change: c.8472_8473del on transcript NM_000059.4 (MANE Select); coding-DNA positions 8472 to 8473, 2 bases deleted (AG; older notation c.8472_8473delAG).
Protein change: p.Arg2824fs; shifts the reading frame from arginine 2824.
Molecular consequence: frameshift variant.
Genome position (GRCh38, 1-based): chr13:32,370,542-32,370,543, AG deleted; deleting any 2 consecutive bases within chr13:32,370,540-32,370,543 gives the same sequence; the c. name uses the placement nearest the transcript's 3' end. VCF-style (leftmost placement, unchanged base first): chr13-32370539-AAG-A. GRCh37 (hg19) VCF-style: chr13-32944676-AAG-A.
Other names: c.8472_8473delAG (NM_000059.3); short protein forms R2824fs.
Identifiers: ClinVar variation 565332 (VCV000565332.11), dbSNP rs1566248936, ClinGen allele CA891843897.

ClinVar aggregate classification (germline): Pathogenic. Review status: criteria provided, multiple submitters, no conflicts (2 of 4 stars). 2 submissions from 2 submitters: Pathogenic (2). Last evaluated 2026-01-21.

Conditions:
Hereditary cancer-predisposing syndrome. Also called: Neoplastic Syndromes, Hereditary; Hereditary neoplastic syndrome; Tumor predisposition; Hereditary Cancer Syndrome. Identifiers: Orphanet 140162, MedGen C0027672, MeSH D009386, MONDO:0015356.
Hereditary breast ovarian cancer syndrome. Also called: Hereditary breast and/or ovarian cancer syndrome; Breast and ovarian cancer; Hereditary breast and ovarian cancer; Hereditary breast and ovarian cancer syndrome (HBOC); Hereditary breast and ovarian cancer syndrome; BRCA1- and BRCA2-Associated Hereditary Breast and Ovarian Cancer. Identifiers: Orphanet 145, MedGen C0677776, MeSH D061325, MONDO:0003582. Disease mechanism: loss of function.

Submissions (2):

Ambry Genetics
Classification: Pathogenic for Hereditary cancer-predisposing syndrome. Last evaluated: 2026-01-21. Review status: criteria provided, single submitter. Criteria: Ambry Variant Classification Scheme 2023. Collection method: clinical testing. Allele origin: germline.
Comment: The c.8472_8473delAG pathogenic mutation, located in coding exon 18 of the BRCA2 gene, results from a deletion of two nucleotides at nucleotide positions 8472 to 8473, causing a translational frameshift with a predicted alternate stop codon (p.R2824Sfs*20). This variant is considered to be rare based on population cohorts in the Genome Aggregation Database (gnomAD). This alteration is expected to result in loss of function by premature protein truncation or nonsense-mediated mRNA decay. As such, this alteration is interpreted as a disease-causing mutation.

Labcorp Genetics (formerly Invitae), Labcorp
Classification: Pathogenic for Hereditary breast ovarian cancer syndrome. Last evaluated: 2019-04-03. Review status: criteria provided, single submitter. Criteria: Invitae Variant Classification Sherloc (09022015). Collection method: clinical testing. Allele origin: germline.
Comment: For these reasons, this variant has been classified as Pathogenic. Loss-of-function variants in BRCA2 are known to be pathogenic (PMID: 20104584). This sequence change creates a premature translational stop signal (p.Arg2824Serfs*20) in the BRCA2 gene. It is expected to result in an absent or disrupted protein product. This variant is not present in population databases (ExAC no frequency). This variant has not been reported in the literature in individuals with BRCA2-related conditions. ClinVar contains an entry for this variant (Variation ID: 565332).

Literature cited by the submitters: PubMed 20104584 (cited by Labcorp Genetics (formerly Invitae), Labcorp).